The following is an entry in ClinVar:

NM_058179.4(PSAT1):c.856C>T (p.Gln286Ter)

Gene: PSAT1 (phosphoserine aminotransferase 1; plus strand). Cytogenetic location: 9q21.2.
Variant type: single nucleotide variant.
Coding change: c.856C>T on transcript NM_058179.4 (MANE Select); coding-DNA position 856, C replaced by T.
Protein change: p.Gln286Ter; replaces glutamine 286 with a stop codon.
Molecular consequence: nonsense.
Genome position (GRCh38, 1-based): chr9:78,317,791, C>T. VCF-style: chr9-78317791-C-T. GRCh37 (hg19) VCF-style: chr9-80932707-C-T.
Other names: c.856C>T, p.Gln286Ter (NM_021154.5); short protein forms Q286*.
Identifiers: ClinVar variation 4880494 (VCV004880494.1).
Genomic context (GRCh38, chr9:78,317,791, plus strand): 5'-GCCATGGAGAAGCTTAGCTCCATCAAATCTCAAACAATTTATGAGATTATTGATAATTCT[C>T]AAGGATTCTACGTGTAAGTCAATGGATTTTATCTCCTATTTTGCCTCTTGTGAATTTAAA-3'

ClinVar aggregate classification (germline): Pathogenic (1 of 4 stars; one submission).

Conditions:
PSAT deficiency. Identifiers: Orphanet 284417, MedGen C1970253, MONDO:0012596, OMIM 610992.

gnomAD v4.1: 7 of 1,612,876 alleles (0.00043%); highest among the groups gnomAD compares: Non-Finnish European, 0.00025%; no homozygotes.

Submission:

Department of Medical Genetics, Ordu University Medical School Training and Research Hospital
Classification: Pathogenic for Phosphoserine aminotransferase deficiency. Last evaluated: 2026-07-28. Review status: criteria provided, single submitter. Criteria: ACMG Guidelines, 2015. Collection method: clinical testing. Allele origin: paternal. Inheritance: Autosomal recessive inheritance. Affected: yes. Observed: 1 variant allele, 1 compound heterozygote.
Comment: Nonsense variant, p.Gln286Ter, in exon 7 of 9. The premature termination codon lies upstream of the 3'-terminal exon-exon junction and the transcript is predicted to undergo nonsense-mediated decay; loss of function is the established disease mechanism for PSAT1 in phosphoserine aminotransferase deficiency (PVS1). Rare in gnomAD v4 (7/1,460,588 alleles, no homozygotes; PM2). Identified by prenatal exome sequencing and confirmed by parental testing to be in trans with NM_021154.5:c.740G>C (p.Ser247Thr), which is submitted separately (PM3).